The following is an entry in ClinVar:

ClinVar aggregate classification (germline): Benign. Review status: criteria provided, multiple submitters, no conflicts (2 of 4 stars). 6 submissions from 6 submitters: Benign (5). 1 of the submissions does not count toward it. Last evaluated 2026-02-03.

Conditions:
Fatal mitochondrial disease due to combined oxidative phosphorylation defect type 3. Also called: Combined oxidative phosphorylation deficiency 3; ENCEPHALOMYOPATHY, RESPIRATORY FAILURE, AND LACTIC ACIDOSIS. Identifiers: Orphanet 168566, MedGen C1864840, MONDO:0012512, OMIM 610505.

Allele frequency attached by ClinVar (database versions not stated): gnomAD exomes 0.00158; ExAC 0.00415; gnomAD 0.00648 and 0.00698; TOPMed 0.00778; 1000 Genomes Project 0.00799; ESP Exome Variant Server 0.00816; 1000 Genomes Project 30x 0.00906.
gnomAD v4.1: 2,003 of 1,591,124 alleles (0.13%); highest among the groups gnomAD compares: African/African-American, 2.3%; 21 homozygotes.

Submissions (6):

Labcorp Genetics (formerly Invitae), Labcorp
Classification: Benign. Last evaluated: 2026-02-03. Review status: criteria provided, single submitter. Criteria: Invitae Variant Classification Sherloc (09022015). Collection method: clinical testing. Allele origin: germline.

Mayo Clinic Laboratories, Mayo Clinic
Classification: Benign. Last evaluated: 2023-04-07. Review status: criteria provided, single submitter. Criteria: ACMG Guidelines, 2015. Collection method: clinical testing. Allele origin: germline. Observed: 11 variant alleles.
Comment: BS1, BS2, BP4

Illumina Laboratory Services, Illumina
Classification: Benign for Fatal mitochondrial disease due to combined oxidative phosphorylation defect type 3. Last evaluated: 2018-01-12. Review status: criteria provided, single submitter. Criteria: ICSL Variant Classification Criteria 13 December 2019. Collection method: clinical testing. Allele origin: germline.
Comment: This variant was observed in the ICSL laboratory as part of a predisposition screen in an ostensibly healthy population. It had not been previously curated by ICSL or reported in the Human Gene Mutation Database (HGMD: prior to June 1st, 2018), and was therefore a candidate for classification through an automated scoring system. Utilizing variant allele frequency, disease prevalence and penetrance estimates, and inheritance mode, an automated score was calculated to assess if this variant is too frequent to cause the disease. Based on the score and internal cut-off values, a variant classified as benign is not then subjected to further curation. The score for this variant resulted in a classification of benign for this disease.

GeneDx
Classification: Benign. Last evaluated: 2015-03-03. Review status: criteria provided, single submitter. Criteria: GeneDx Variant Classification Process June 2021. Collection method: clinical testing. Allele origin: germline. Affected: yes.

Breakthrough Genomics
Classification: Benign. Review status: criteria provided, single submitter. Criteria: ACMG Guidelines, 2015. Collection method: not provided. Allele origin: germline. Inheritance: Autosomal recessive inheritance. Affected: yes.

Natera, Inc.
Classification: Benign for Combined oxidative phosphorylation deficiency 3. Last evaluated: 2020-01-02. Review status: no assertion criteria provided. Collection method: clinical testing. Allele origin: germline. Not counted in ClinVar's aggregate classification.

NM_005726.6(TSFM):c.5C>T (p.Ser2Leu)

Gene: TSFM (Ts translation elongation factor, mitochondrial; plus strand). Cytogenetic location: 12q14.1.
Variant type: single nucleotide variant.
Coding change: c.5C>T on transcript NM_005726.6 (MANE Select); coding-DNA position 5, C replaced by T.
Protein change: p.Ser2Leu; replaces serine 2 with leucine.
Molecular consequence: missense variant.
Genome position (GRCh38, 1-based): chr12:57,782,806, C>T. VCF-style: chr12-57782806-C-T. GRCh37 (hg19) VCF-style: chr12-58176589-C-T.
Other names: p.Ser2Leu; c.5C>T, p.Ser2Leu (NM_001172695.2, NM_001172697.2, NM_001172696.2); short protein forms S2L.
Identifiers: ClinVar variation 703844 (VCV000703844.21), dbSNP rs35957924, ClinGen allele CA6659172.